The following is an entry in ClinVar:

NM_000321.3(RB1):c.1592T>C (p.Val531Ala)

Gene: RB1 (RB transcriptional corepressor 1; plus strand). Cytogenetic location: 13q14.2.
Variant type: single nucleotide variant.
Coding change: c.1592T>C on transcript NM_000321.3 (MANE Select); coding-DNA position 1592, T replaced by C.
Protein change: p.Val531Ala; replaces valine 531 with alanine.
Molecular consequence: missense variant.
Genome position (GRCh38, 1-based): chr13:48,381,340, T>C. VCF-style: chr13-48381340-T-C. GRCh37 (hg19) VCF-style: chr13-48955476-T-C.
Other names: c.1592T>C, p.Val531Ala (NM_001407165.1, NM_001407166.1); short protein forms V531A.
Identifiers: ClinVar variation 1775948 (VCV001775948.2), dbSNP rs143324585, ClinGen allele CA388163671.

ClinVar aggregate classification (germline): Uncertain significance (1 of 4 stars; one submission).

Conditions:
Hereditary cancer-predisposing syndrome. Also called: Neoplastic Syndromes, Hereditary; Tumor predisposition; Hereditary Cancer Syndrome; Hereditary neoplastic syndrome. Identifiers: Orphanet 140162, MedGen C0027672, MeSH D009386, MONDO:0015356.

Submission:

Ambry Genetics
Classification: Uncertain significance for Hereditary cancer-predisposing syndrome. Last evaluated: 2022-10-24. Review status: criteria provided, single submitter. Criteria: Ambry Variant Classification Scheme 2023. Collection method: clinical testing. Allele origin: germline.
Comment: The p.V531A variant (also known as c.1592T>C), located in coding exon 17 of the RB1 gene, results from a T to C substitution at nucleotide position 1592. The valine at codon 531 is replaced by alanine, an amino acid with similar properties. This amino acid position is conserved. In addition, this alteration is predicted to be deleterious by in silico analysis. Since supporting evidence is limited at this time, the clinical significance of this alteration remains unclear.